The following is an entry in ClinVar:

ClinVar aggregate classification (germline): Uncertain significance. Review status: criteria provided, multiple submitters, no conflicts (2 of 4 stars). 2 submissions from 2 submitters: Uncertain significance (2). Last evaluated 2025-05-30.

Conditions:
Dystonia 28, childhood-onset (DYT28). Also called: KMT2B-Related Dystonia (DYT-KMT2B). Identifiers: Orphanet 589618, MedGen C4310633, MONDO:0015004, OMIM 617284.

Allele frequency attached by ClinVar (database versions not stated): TOPMed below 0.00001.
gnomAD v4.1: 1 of 1,612,914 alleles (0.000062%); highest among the groups gnomAD compares: Non-Finnish European, 0.000085%; no homozygotes.

Submissions (2):

GeneDx
Classification: Uncertain significance. Last evaluated: 2025-05-30. Review status: criteria provided, single submitter. Criteria: GeneDx Variant Classification Process June 2021. Collection method: clinical testing. Allele origin: germline.
Comment: Not observed at significant frequency in large population cohorts (gnomAD); In silico analysis supports that this missense variant has a deleterious effect on protein structure/function; Has not been previously published as pathogenic or benign to our knowledge.

Institute of Human Genetics, University of Leipzig Medical Center
Classification: Uncertain significance for Dystonia 28, childhood-onset. Last evaluated: 2019-01-01. Review status: criteria provided, single submitter. Criteria: ACMG Guidelines, 2015. Collection method: clinical testing. Allele origin: de novo. Affected: no.
Comment: This variant was identified as de novo.

NM_014727.3(KMT2B):c.4154C>T (p.Ser1385Leu)

Gene: KMT2B (lysine methyltransferase 2B; plus strand). Cytogenetic location: 19q13.12.
Variant type: single nucleotide variant.
Coding change: c.4154C>T on transcript NM_014727.3 (MANE Select); coding-DNA position 4154, C replaced by T.
Protein change: p.Ser1385Leu; replaces serine 1385 with leucine.
Molecular consequence: missense variant.
Genome position (GRCh38, 1-based): chr19:35,727,474, C>T. VCF-style: chr19-35727474-C-T. GRCh37 (hg19) VCF-style: chr19-36218375-C-T.
Other names: c.4154C>T (NM_014727.2); short protein forms S1385L.
Identifiers: ClinVar variation 982755 (VCV000982755.3), dbSNP rs1969505297, ClinGen allele CA405413300.